The following is an entry in ClinVar:

NM_182649.2(PCNA):c.153C>G (p.Thr51=)

Genes: PCNA (proliferating cell nuclear antigen; minus strand), PCNA-AS1 (PCNA antisense RNA 1; plus strand). Cytogenetic location: 20p12.3.
Variant type: single nucleotide variant.
Coding change: c.153C>G on transcript NM_182649.2 (MANE Select); coding-DNA position 153, C replaced by G.
Protein change: p.Thr51=; no amino-acid change (threonine 51 retained).
Molecular consequence: synonymous variant. On other transcripts: non-coding transcript variant (1).
Genome position (GRCh38, 1-based): chr20:5,119,646, G>C on the plus strand (C>G on the coding strand, the complement: PCNA is on the minus strand). VCF-style: chr20-5119646-G-C. GRCh37 (hg19) VCF-style: chr20-5100292-G-C.
Other names: c.153C>G, p.Thr51= (NM_002592.2).
Identifiers: ClinVar variation 3353150 (VCV003353150.1).

ClinVar aggregate classification (germline): Likely benign (0 of 4 stars; one submission).

Conditions:
PCNA-related disorder. Also called: PCNA-related condition.

gnomAD v4.1: 66 of 1,613,736 alleles (0.0041%); highest among the groups gnomAD compares: African/African-American, 0.072%; no homozygotes.

Submission:

PreventionGenetics, part of Exact Sciences
Classification: Likely benign for PCNA-related condition. Last evaluated: 2019-05-01. Review status: no assertion criteria provided. Collection method: clinical testing. Allele origin: germline.
Comment: This variant is classified as likely benign based on ACMG/AMP sequence variant interpretation guidelines (Richards et al. 2015 PMID: 25741868, with internal and published modifications).